The following is an entry in ClinVar:

ClinVar aggregate classification (germline): Pathogenic/Likely pathogenic. Review status: criteria provided, multiple submitters, no conflicts (2 of 4 stars). 3 submissions from 3 submitters: Pathogenic (1); Likely pathogenic (1). 1 of the submissions does not count toward it. Last evaluated 2021-09-25.

Conditions:
Congenital heart defects, multiple types, 4 (CHTD4). Identifiers: MedGen C4014310, MONDO:0014344, OMIM 615779.
Asplenia. Identifiers: MedGen C5779621, HP:0001746.

Submissions (3):

Carola Vinuesa Lab, John Curtin School of Medical Research
Classification: Likely pathogenic for Asplenia. Last evaluated: 2021-09-25. Review status: criteria provided, single submitter. Criteria: ACMG Guidelines, 2015. Collection method: clinical testing. Allele origin: de novo. Inheritance: Autosomal dominant inheritance. Affected: yes. Observed: 1 heterozygote.

GeneDx
Classification: Pathogenic. Last evaluated: 2017-05-26. Review status: criteria provided, single submitter. Criteria: GeneDx Variant Classification (06012015). Collection method: clinical testing. Allele origin: germline. Affected: yes.
Comment: The S341Y variant in the NR2F2 gene has been reported previously as a de novo heterozygous variant in a patient with complete atrioventricular septum defect (Al Turki et al., 2014). The S341Y variant is not observed in large population cohorts (Lek et al., 2016; 1000 Genomes Consortium et al., 2015; Exome Variant Server). The S341Y variant is a semi-conservative amino acid substitution, which may impact secondary protein structure as these residues differ in some properties. This substitution occurs at a position that is conserved across species. Functional studies using NR2F2 responsive luciferase reporter assay, demonstrated significantly lower transcriptional activity for S341Y mutants compared to wild types (Al Turki et al., 2014). We interpret S341Y as a pathogenic variant.

OMIM
Classification: Pathogenic for CONGENITAL HEART DEFECTS, MULTIPLE TYPES, 4. Last evaluated: 2014-04-03. Review status: no assertion criteria provided. Collection method: literature only. Allele origin: germline. Not counted in ClinVar's aggregate classification.

Literature cited by the submitters: PubMed 24702954 (cited by OMIM).

NM_021005.4(NR2F2):c.1022C>A (p.Ser341Tyr)

Gene: NR2F2 (nuclear receptor subfamily 2 group F member 2; plus strand). Cytogenetic location: 15q26.2.
Variant type: single nucleotide variant.
Coding change: c.1022C>A on transcript NM_021005.4 (MANE Select); coding-DNA position 1022, C replaced by A.
Protein change: p.Ser341Tyr; replaces serine 341 with tyrosine.
Molecular consequence: missense variant.
Genome position (GRCh38, 1-based): chr15:96,337,399, C>A. VCF-style: chr15-96337399-C-A. GRCh37 (hg19) VCF-style: chr15-96880628-C-A.
Other names: c.623C>A, p.Ser208Tyr (NM_001145155.2); c.563C>A, p.Ser188Tyr (NM_001145156.1, NM_001145157.2); short protein forms S341Y, S208Y, S188Y.
Identifiers: ClinVar variation 128232 (VCV000128232.9), dbSNP rs587777371, ClinGen allele CA151538.